The following is an entry in ClinVar:

NM_020921.4(NIN):c.5996G>A (p.Arg1999His)

Gene: NIN (ninein; minus strand). Cytogenetic location: 14q22.1.
Variant type: single nucleotide variant.
Coding change: c.5996G>A on transcript NM_020921.4 (MANE Select); coding-DNA position 5996, G replaced by A.
Protein change: p.Arg1999His; replaces arginine 1999 with histidine.
Molecular consequence: missense variant.
Genome position (GRCh38, 1-based): chr14:50,729,605, C>T on the plus strand (G>A on the coding strand, the complement: NIN is on the minus strand). VCF-style: chr14-50729605-C-T. GRCh37 (hg19) VCF-style: chr14-51196323-C-T.
Other names: c.3857G>A, p.Arg1286His (NM_016350.5); c.5996G>A, p.Arg1999His (NM_182944.3, NM_182946.2); short protein forms R1999H, R1286H.
Identifiers: ClinVar variation 435996 (VCV000435996.35), dbSNP rs141405524, ClinGen allele CA7181063.

ClinVar aggregate classification (germline): Conflicting classifications of pathogenicity. Review status: criteria provided, conflicting classifications (1 of 4 stars). 5 submissions from 5 submitters: Uncertain significance (1); Benign (2); Likely benign (1). 1 of the submissions does not count toward it. Last evaluated 2025-11-25.

Conditions:
NIN-related disorder. Also called: NIN-related condition.

Allele frequency attached by ClinVar (database versions not stated): 1000 Genomes Project 30x 0.00031; 1000 Genomes Project 0.00040; ESP Exome Variant Server 0.00085; TOPMed 0.00094; gnomAD 0.00096 and 0.00097; gnomAD exomes 0.00096 and 0.00134; ExAC 0.00127.
gnomAD v4.1: 1,580 of 1,613,962 alleles (0.098%); highest among the groups gnomAD compares: Admixed American, 0.1%; 2 homozygotes.

Submissions (5):

Labcorp Genetics (formerly Invitae), Labcorp
Classification: Benign. Last evaluated: 2025-11-25. Review status: criteria provided, single submitter. Criteria: Invitae Variant Classification Sherloc (09022015). Collection method: clinical testing. Allele origin: germline.

Blueprint Genetics
Classification: Likely benign. Last evaluated: 2024-11-25. Review status: criteria provided, single submitter. Criteria: ACMG Guidelines, 2015. Collection method: clinical testing. Allele origin: germline.

CeGaT Center for Human Genetics Tuebingen
Classification: Benign. Last evaluated: 2024-10-01. Review status: criteria provided, single submitter. Criteria: CeGaT Center For Human Genetics Tuebingen Variant Classification Criteria Version 2. Collection method: clinical testing. Allele origin: germline. Affected: yes. Observed: 2 variant alleles.
Comment: NIN: BP4, BS1, BS2

Genetic Services Laboratory, University of Chicago
Classification: Uncertain significance. Last evaluated: 2016-11-29. Review status: criteria provided, single submitter. Criteria: ACMG Guidelines, 2015. Collection method: clinical testing. Allele origin: germline. Affected: no.

PreventionGenetics, part of Exact Sciences
Classification: Benign for NIN-related condition. Last evaluated: 2020-06-17. Review status: no assertion criteria provided. Collection method: clinical testing. Allele origin: germline. Not counted in ClinVar's aggregate classification.
Comment: This variant is classified as benign based on ACMG/AMP sequence variant interpretation guidelines (Richards et al. 2015 PMID: 25741868, with internal and published modifications).